The following is an entry in ClinVar:

NM_004341.5(CAD):c.2156+4C>T

Gene: CAD (carbamoyl-phosphate synthetase 2, aspartate transcarbamylase, and dihydroorotase; plus strand). Cytogenetic location: 2p23.3.
Variant type: single nucleotide variant.
Coding change: c.2156+4C>T on transcript NM_004341.5 (MANE Select); 4 bases into the intron after coding-DNA position 2156, C replaced by T.
Molecular consequence: intron variant.
Genome position (GRCh38, 1-based): chr2:27,226,653, C>T. VCF-style: chr2-27226653-C-T. GRCh37 (hg19) VCF-style: chr2-27449521-C-T.
Other names: c.1967+4C>T (NM_001306079.2).
Identifiers: ClinVar variation 1911581 (VCV001911581.2), dbSNP rs748344709, ClinGen allele CA1572920.

ClinVar aggregate classification (germline): Uncertain significance (1 of 4 stars; one submission).

Allele frequency attached by ClinVar (database versions not stated): gnomAD 0.00001; ExAC 0.00002; gnomAD exomes 0.00002.
gnomAD v4.1: 38 of 1,613,716 alleles (0.0024%); highest among the groups gnomAD compares: Non-Finnish European, 0.0029%; no homozygotes.

Submission:

Labcorp Genetics (formerly Invitae), Labcorp
Classification: Uncertain significance. Last evaluated: 2022-01-28. Review status: criteria provided, single submitter. Criteria: Invitae Variant Classification Sherloc (09022015). Collection method: clinical testing. Allele origin: germline.
Comment: This sequence change falls in intron 14 of the CAD gene. It does not directly change the encoded amino acid sequence of the CAD protein. It affects a nucleotide within the consensus splice site. This variant is present in population databases (rs748344709, gnomAD 0.006%). This variant has not been reported in the literature in individuals affected with CAD-related conditions. Variants that disrupt the consensus splice site are a relatively common cause of aberrant splicing (PMID: 17576681, 9536098). Algorithms developed to predict the effect of sequence changes on RNA splicing suggest that this variant is not likely to affect RNA splicing. In summary, the available evidence is currently insufficient to determine the role of this variant in disease. Therefore, it has been classified as a Variant of Uncertain Significance.

Literature cited by the submitters: PubMed 17576681; PubMed 9536098.